The following is an entry in ClinVar:

NM_001655.5(ARCN1):c.820G>A (p.Val274Ile)

Gene: ARCN1 (archain 1 coat protein complex I subunit delta; plus strand). Cytogenetic location: 11q23.3.
Variant type: single nucleotide variant.
Coding change: c.820G>A on transcript NM_001655.5 (MANE Select); coding-DNA position 820, G replaced by A.
Protein change: p.Val274Ile; replaces valine 274 with isoleucine.
Molecular consequence: missense variant. On other transcripts: non-coding transcript variant (2).
Genome position (GRCh38, 1-based): chr11:118,590,342, G>A. VCF-style: chr11-118590342-G-A. GRCh37 (hg19) VCF-style: chr11-118461057-G-A.
Other names: c.556G>A, p.Val186Ile (NM_001142281.2, NM_001425081.1); c.820G>A, p.Val274Ile (NM_001425073.1, NM_001425078.1); c.817G>A, p.Val273Ile (NM_001425074.1, NM_001425079.1); c.763G>A, p.Val255Ile (NM_001425075.1); c.751G>A, p.Val251Ile (NM_001425076.1); c.655G>A, p.Val219Ile (NM_001425077.1); c.376G>A, p.Val126Ile (NM_001425080.1); short protein forms V186I, V251I, V274I, V219I, V126I, V255I, V273I.
Identifiers: ClinVar variation 4709326 (VCV004709326.1).

ClinVar aggregate classification (germline): Uncertain significance (1 of 4 stars; one submission).

gnomAD v4.1: 11 of 1,611,318 alleles (0.00068%); highest among the groups gnomAD compares: African/African-American, 0.0094%; no homozygotes.

Submission:

Labcorp Genetics (formerly Invitae), Labcorp
Classification: Uncertain significance. Last evaluated: 2025-08-20. Review status: criteria provided, single submitter. Criteria: Invitae Variant Classification Sherloc (09022015). Collection method: clinical testing. Allele origin: germline.
Comment: This sequence change replaces valine, which is neutral and non-polar, with isoleucine, which is neutral and non-polar, at codon 274 of the ARCN1 protein (p.Val274Ile). This variant is present in population databases (rs782367570, gnomAD 0.007%). This variant has not been reported in the literature in individuals affected with ARCN1-related conditions. An algorithm developed to predict the effect of missense changes on protein structure and function (PolyPhen-2) suggests that this variant is likely to be tolerated. In summary, the available evidence is currently insufficient to determine the role of this variant in disease. Therefore, it has been classified as a Variant of Uncertain Significance.